The following is an entry in ClinVar:

NM_002299.4(LCT):c.3998G>T (p.Gly1333Val)

Gene: LCT (lactase; minus strand). Cytogenetic location: 2q21.3.
Variant type: single nucleotide variant.
Coding change: c.3998G>T on transcript NM_002299.4 (MANE Select); coding-DNA position 3998, G replaced by T.
Protein change: p.Gly1333Val; replaces glycine 1333 with valine.
Molecular consequence: missense variant.
Genome position (GRCh38, 1-based): chr2:135,807,303, C>A on the plus strand (G>T on the coding strand, the complement: LCT is on the minus strand). VCF-style: chr2-135807303-C-A. GRCh37 (hg19) VCF-style: chr2-136564873-C-A.
Other names: short protein forms G1333V.
Identifiers: ClinVar variation 1504541 (VCV001504541.6), dbSNP rs2077684833, ClinGen allele CA348597718.

ClinVar aggregate classification (germline): Uncertain significance (1 of 4 stars; one submission).

gnomAD v4.1: 1 of 1,614,178 alleles (0.000062%); highest among the groups gnomAD compares: Non-Finnish European, 0.000085%; no homozygotes.

Submission:

Labcorp Genetics (formerly Invitae), Labcorp
Classification: Uncertain significance. Last evaluated: 2021-01-26. Review status: criteria provided, single submitter. Criteria: Invitae Variant Classification Sherloc (09022015). Collection method: clinical testing. Allele origin: germline.
Comment: This variant has not been reported in the literature in individuals with LCT-related conditions. Algorithms developed to predict the effect of missense changes on protein structure and function are either unavailable or do not agree on the potential impact of this missense change (SIFT: "Not Available"; PolyPhen-2: "Probably Damaging"; Align-GVGD: "Not Available"). In summary, the available evidence is currently insufficient to determine the role of this variant in disease. Therefore, it has been classified as a Variant of Uncertain Significance. This variant is not present in population databases (ExAC no frequency). This sequence change replaces glycine with valine at codon 1333 of the LCT protein (p.Gly1333Val). The glycine residue is highly conserved and there is a moderate physicochemical difference between glycine and valine.